The following is an entry in ClinVar:

NM_053025.4(MYLK):c.1179TGT[1] (p.Val395del)

Gene: MYLK (myosin light chain kinase; minus strand). Cytogenetic location: 3q21.1.
Variant type: Microsatellite.
Coding change: c.1179TGT[1] on transcript NM_053025.4 (MANE Select); one copy of the 3-base unit TGT starting at c.1179; the reference has two copies in a row; one copy, 3 bases deleted; also written c.1182_1184del.
Protein change: p.Val395del; deletes valine 395.
Molecular consequence: inframe deletion.
Genome position (GRCh38, 1-based): chr3:123,733,812-123,733,814, ACA deleted on the plus strand (TGT on the coding strand, the reverse complement: MYLK is on the minus strand); deleting any 3 consecutive bases within chr3:123,733,812-123,733,817 gives the same sequence; the position shown is the placement nearest the transcript's 3' end. VCF-style (leftmost placement, unchanged base first): chr3-123733811-CACA-C. GRCh37 (hg19) VCF-style: chr3-123452658-CACA-C.
Other names: c.1182_1184del (NM_053025.3); c.651TGT[1], p.Val219del (NM_001321309.2); c.1179TGT[1], p.Val395del (NM_053026.4, NM_053027.4, NM_053028.4); short protein forms V395del, V219del.
Identifiers: ClinVar variation 471698 (VCV000471698.16), dbSNP rs771815695, ClinGen allele CA066784.

ClinVar aggregate classification (germline): Conflicting classifications of pathogenicity. Review status: criteria provided, conflicting classifications (1 of 4 stars). 4 submissions from 4 submitters: Uncertain significance (1); Likely benign (3). Last evaluated 2026-01-19.

Conditions:
Familial thoracic aortic aneurysm and aortic dissection (TAAD). Also called: Thoracic aortic aneurysms and dissections. Identifiers: Orphanet 91387, MedGen C4707243, MONDO:0019625.
Aortic aneurysm, familial thoracic 7 (AAT7). Also called: AORTIC DISSECTION, FAMILIAL, WITH OR WITHOUT AORTIC ANEURYSM. Identifiers: MedGen C3151077, MONDO:0013418, OMIM 613780.

Submissions (4):

Labcorp Genetics (formerly Invitae), Labcorp
Classification: Likely benign for Aortic aneurysm, familial thoracic 7. Last evaluated: 2026-01-19. Review status: criteria provided, single submitter. Criteria: Invitae Variant Classification Sherloc (09022015). Collection method: clinical testing. Allele origin: germline.

Ambry Genetics
Classification: Uncertain significance for Familial thoracic aortic aneurysm and aortic dissection. Last evaluated: 2025-07-21. Review status: criteria provided, single submitter. Criteria: Ambry Variant Classification Scheme 2023. Collection method: clinical testing. Allele origin: germline.
Comment: The c.1182_1184delTGT variant (also known as p.V395del) is located in coding exon 7 of the MYLK gene. This variant results from an in-frame TGT deletion at nucleotide positions 1182 to 1184. This results in the in-frame deletion of a valine at codon 395. This variant has been detected in an individual with acute aortic dissection (Zheng J et al. Int. J. Legal Med., 2018 Sep;132:1273-1280). This amino acid position is not well conserved in available vertebrate species. In addition, this alteration is predicted to be inconclusive by in silico analysis (Choi Y et al. PLoS ONE. 2012; 7(10):e46688). Since supporting evidence is limited at this time, the clinical significance of this alteration remains unclear.

CHEO Genetics Diagnostic Laboratory, Children's Hospital of Eastern Ontario
Classification: Likely benign for Familial thoracic aortic aneurysm and aortic dissection. Last evaluated: 2023-02-09. Review status: criteria provided, single submitter. Criteria: ACMG Guidelines, 2015. Collection method: clinical testing. Allele origin: germline.

Women's Health and Genetics/Laboratory Corporation of America, LabCorp
Classification: Likely benign. Last evaluated: 2021-01-07. Review status: criteria provided, single submitter. Criteria: LabCorp Variant Classification Summary - May 2015. Collection method: clinical testing. Allele origin: germline.
Comment: Variant summary: MYLK c.1182_1184delTGT (p.Val395del) results in an in-frame deletion that is predicted to remove one amino acid from the encoded protein. The variant allele was found at a frequency of 0.00012 in 252492 control chromosomes, predominantly at a frequency of 0.0013 within the East Asian subpopulation in the gnomAD database. The observed variant frequency within East Asian control individuals in the gnomAD database is approximately 26 fold of the estimated maximal expected allele frequency for a pathogenic variant in MYLK causing Thoracic Aortic Aneurysms And Dissections phenotype (5e-05), strongly suggesting that the variant is a benign polymorphism found primarily in populations of East Asian origin. c.1182_1184delTGT has been reported in the literature in one individual affected with Acute aortic dissection (Zheng_2018). The report does not provide unequivocal conclusions about association of the variant with Thoracic Aortic Aneurysms And Dissections. To our knowledge, no experimental evidence demonstrating an impact on protein function has been reported. One ClinVar submitter (evaluation after 2014) cites the variant as likely benign. Based on the evidence outlined above, the variant was classified as likely benign.

Literature cited by the submitters: PubMed 30056620 (cited by Ambry Genetics and Women's Health and Genetics/Laboratory Corporation of America, LabCorp).